The following is an entry in ClinVar:

ClinVar aggregate classification (germline): Uncertain significance (1 of 4 stars; one submission).

Allele frequency attached by ClinVar (database versions not stated): TOPMed below 0.00001.

Submission:

Labcorp Genetics (formerly Invitae), Labcorp
Classification: Uncertain significance. Last evaluated: 2022-07-19. Review status: criteria provided, single submitter. Criteria: Invitae Variant Classification Sherloc (09022015). Collection method: clinical testing. Allele origin: germline.
Comment: This variant is not present in population databases (gnomAD no frequency). This sequence change replaces threonine, which is neutral and polar, with alanine, which is neutral and non-polar, at codon 3107 of the VCAN protein (p.Thr3107Ala). This variant has not been reported in the literature in individuals affected with VCAN-related conditions. In summary, the available evidence is currently insufficient to determine the role of this variant in disease. Therefore, it has been classified as a Variant of Uncertain Significance. Algorithms developed to predict the effect of missense changes on protein structure and function (SIFT, PolyPhen-2, Align-GVGD) all suggest that this variant is likely to be disruptive. ClinVar contains an entry for this variant (Variation ID: 1390218).

NM_004385.5(VCAN):c.9319A>G (p.Thr3107Ala)

Genes: VCAN (versican; plus strand), VCAN-AS1 (VCAN antisense RNA 1; minus strand). Cytogenetic location: 5q14.3.
Variant type: single nucleotide variant.
Coding change: c.9319A>G on transcript NM_004385.5 (MANE Select); coding-DNA position 9319, A replaced by G.
Protein change: p.Thr3107Ala; replaces threonine 3107 with alanine.
Molecular consequence: missense variant.
Genome position (GRCh38, 1-based): chr5:83,545,590, A>G. VCF-style: chr5-83545590-A-G. GRCh37 (hg19) VCF-style: chr5-82841409-A-G.
Other names: c.1096A>G, p.Thr366Ala (NM_001126336.3); c.6358A>G, p.Thr2120Ala (NM_001164097.2); c.4057A>G, p.Thr1353Ala (NM_001164098.2); short protein forms T366A, T1353A, T2120A, T3107A.
Identifiers: ClinVar variation 1390218 (VCV001390218.6), dbSNP rs1747176117, ClinGen allele CA360296399.